The following is an entry in ClinVar:

NM_001197104.2(KMT2A):c.9131T>C (p.Ile3044Thr)

Gene: KMT2A (lysine methyltransferase 2A; plus strand). Cytogenetic location: 11q23.3.
Variant type: single nucleotide variant.
Coding change: c.9131T>C on transcript NM_001197104.2 (MANE Select); coding-DNA position 9131, T replaced by C.
Protein change: p.Ile3044Thr; replaces isoleucine 3044 with threonine.
Molecular consequence: missense variant.
Genome position (GRCh38, 1-based): chr11:118,505,023, T>C. VCF-style: chr11-118505023-T-C. GRCh37 (hg19) VCF-style: chr11-118375738-T-C.
Other names: c.9221T>C, p.Ile3074Thr (NM_001412597.1); c.9122T>C, p.Ile3041Thr (NM_005933.4); short protein forms I3041T, I3044T, I3074T.
Identifiers: ClinVar variation 4800572 (VCV004800572.1).

ClinVar aggregate classification (germline): Uncertain significance (1 of 4 stars; one submission).

Submission:

Labcorp Genetics (formerly Invitae), Labcorp
Classification: Uncertain significance. Last evaluated: 2025-02-09. Review status: criteria provided, single submitter. Criteria: Invitae Variant Classification Sherloc (09022015). Collection method: clinical testing. Allele origin: germline.
Comment: This sequence change replaces isoleucine, which is neutral and non-polar, with threonine, which is neutral and polar, at codon 3044 of the KMT2A protein (p.Ile3044Thr). This variant is not present in population databases (gnomAD no frequency). This variant has not been reported in the literature in individuals affected with KMT2A-related conditions. Invitae Evidence Modeling of protein sequence and biophysical properties (such as structural, functional, and spatial information, amino acid conservation, physicochemical variation, residue mobility, and thermodynamic stability) indicates that this missense variant is not expected to disrupt KMT2A protein function with a negative predictive value of 95%. In summary, the available evidence is currently insufficient to determine the role of this variant in disease. Therefore, it has been classified as a Variant of Uncertain Significance.